The following is an entry in ClinVar:

ClinVar aggregate classification (germline): Pathogenic (1 of 4 stars; one submission).

Conditions:
Polycystic kidney disease, adult type (PKD1). Also called: POLYCYSTIC KIDNEY DISEASE 1 WITH OR WITHOUT POLYCYSTIC LIVER DISEASE; Polycystic Kidney Disease 1, Autosomal Dominant; Polycystic kidney disease 1; Polycystic kidney disease 1, severe; Polycystic Kidney, Autosomal Dominant; POLYCYSTIC KIDNEY DISEASE, ADULT, TYPE I. Identifiers: MedGen C3149841, MONDO:0008263, OMIM 173900.

Submission:

Cavalleri Lab, Royal College of Surgeons in Ireland
Classification: Pathogenic for Polycystic kidney disease, adult type. Last evaluated: 2020-02-05. Review status: criteria provided, single submitter. Criteria: ACMG Guidelines, 2015. Collection method: research. Allele origin: unknown. Inheritance: Autosomal dominant inheritance. Affected: yes.
Comment: PVS1, PM1, PM2, PP4

NM_001009944.3(PKD1):c.7495del (p.His2499fs)

Gene: PKD1 (polycystin 1, transient receptor potential channel interacting; minus strand). Cytogenetic location: 16p13.3.
Variant type: Deletion.
Coding change: c.7495del on transcript NM_001009944.3 (MANE Select); coding-DNA position 7495, one base deleted (C; older notation c.7495delC).
Protein change: p.His2499fs; shifts the reading frame from histidine 2499.
Molecular consequence: frameshift variant.
Genome position (GRCh38, 1-based): chr16:2,106,299, G deleted on the plus strand (C on the coding strand, the reverse complement: PKD1 is on the minus strand). VCF-style (leftmost placement, unchanged base first): chr16-2106298-TG-T. GRCh37 (hg19) VCF-style: chr16-2156299-TG-T.
Other names: c.7495del, p.His2499fs (NM_000296.4); c.7495delC (NM_001009944.3); short protein forms H2499fs.
Identifiers: ClinVar variation 873370 (VCV000873370.1), dbSNP rs2092333316, ClinGen allele CA1139664383.